The following is an entry in ClinVar:

NM_005422.4(TECTA):c.5600A>G (p.His1867Arg)

Genes: TBCEL-TECTA (TBCEL-TECTA readthrough; plus strand), TECTA (tectorin alpha; plus strand). Cytogenetic location: 11q23.3.
Variant type: single nucleotide variant.
Coding change: c.5600A>G on transcript NM_005422.4 (MANE Select); coding-DNA position 5600, A replaced by G.
Protein change: p.His1867Arg; replaces histidine 1867 with arginine.
Molecular consequence: missense variant.
Genome position (GRCh38, 1-based): chr11:121,168,067, A>G. VCF-style: chr11-121168067-A-G. GRCh37 (hg19) VCF-style: chr11-121038776-A-G.
Other names: c.6542A>G, p.His2181Arg (NM_001378761.1); short protein forms H1867R, H2181R.
Identifiers: ClinVar variation 2735779 (VCV002735779.3), dbSNP rs2496991903, ClinGen allele CA383035245.

ClinVar aggregate classification (germline): Uncertain significance (1 of 4 stars; one submission).

Allele frequency attached by ClinVar (database versions not stated): gnomAD exomes below 0.00001.
gnomAD v4.1: 1 of 1,614,206 alleles (0.000062%); highest among the groups gnomAD compares: Non-Finnish European, 0.000085%; no homozygotes.

Submission:

Labcorp Genetics (formerly Invitae), Labcorp
Classification: Uncertain significance. Last evaluated: 2022-11-19. Review status: criteria provided, single submitter. Criteria: Invitae Variant Classification Sherloc (09022015). Collection method: clinical testing. Allele origin: germline.
Comment: In summary, the available evidence is currently insufficient to determine the role of this variant in disease. Therefore, it has been classified as a Variant of Uncertain Significance. Algorithms developed to predict the effect of missense changes on protein structure and function (SIFT, PolyPhen-2, Align-GVGD) all suggest that this variant is likely to be disruptive. This missense change has been observed in individual(s) with autosomal dominant deafness (PMID: 21520338). This variant is not present in population databases (gnomAD no frequency). This sequence change replaces histidine, which is basic and polar, with arginine, which is basic and polar, at codon 1867 of the TECTA protein (p.His1867Arg).

Literature cited by the submitters: PubMed 21520338.